The following is an entry in ClinVar:

ClinVar aggregate classification (germline): Uncertain significance (1 of 4 stars; one submission).

Conditions:
ALG6-congenital disorder of glycosylation 1C (CDG1C). Also called: Congenital disorder of glycosylation type 1C; Congenital disorder of glycosylation, type Ic; CARBOHYDRATE-DEFICIENT GLYCOPROTEIN SYNDROME, TYPE I, WITH DEFICIENT GLYCOSYLATION OF DOLICHOL-LINKED OLIGOSACCHARIDE; CARBOHYDRATE-DEFICIENT GLYCOPROTEIN SYNDROME, TYPE V; CDG Ic. Identifiers: Orphanet 79320, MedGen C2930997, MONDO:0011291, OMIM 603147.

Submission:

Labcorp Genetics (formerly Invitae), Labcorp
Classification: Uncertain significance for ALG6-congenital disorder of glycosylation 1C. Last evaluated: 2025-03-01. Review status: criteria provided, single submitter. Criteria: Invitae Variant Classification Sherloc (09022015). Collection method: clinical testing. Allele origin: germline.
Comment: This sequence change replaces proline, which is neutral and non-polar, with glutamine, which is neutral and polar, at codon 265 of the ALG6 protein (p.Pro265Gln). This variant is not present in population databases (gnomAD no frequency). This variant has not been reported in the literature in individuals affected with ALG6-related conditions. Invitae Evidence Modeling of protein sequence and biophysical properties (such as structural, functional, and spatial information, amino acid conservation, physicochemical variation, residue mobility, and thermodynamic stability) indicates that this missense variant is expected to disrupt ALG6 protein function with a positive predictive value of 80%. In summary, the available evidence is currently insufficient to determine the role of this variant in disease. Therefore, it has been classified as a Variant of Uncertain Significance.

NM_013339.4(ALG6):c.794C>A (p.Pro265Gln)

Gene: ALG6 (ALG6 alpha-1,3-glucosyltransferase; plus strand). Cytogenetic location: 1p31.3.
Variant type: single nucleotide variant.
Coding change: c.794C>A on transcript NM_013339.4 (MANE Select); coding-DNA position 794, C replaced by A.
Protein change: p.Pro265Gln; replaces proline 265 with glutamine.
Molecular consequence: missense variant.
Genome position (GRCh38, 1-based): chr1:63,412,039, C>A. VCF-style: chr1-63412039-C-A. GRCh37 (hg19) VCF-style: chr1-63877710-C-A.
Other names: short protein forms P265Q.
Identifiers: ClinVar variation 4709606 (VCV004709606.1).